The following is an entry in ClinVar:

ClinVar aggregate classification (germline): Conflicting classifications of pathogenicity. Review status: criteria provided, conflicting classifications (1 of 4 stars). 2 submissions from 2 submitters: Uncertain significance (1); Likely benign (1). Last evaluated 2024-12-16.

Conditions:
Cerebral cavernous malformation 2. Also called: Familial Cerebral Cavernous Malformation 2. Identifiers: Orphanet 221061, MedGen C1864041, MONDO:0011304, OMIM 603284.
Inborn genetic diseases. Identifiers: MedGen C0950123, MeSH D030342.

Allele frequency attached by ClinVar (database versions not stated): gnomAD 0.00001; gnomAD exomes 0.00001; TOPMed 0.00002.

Submissions (2):

Labcorp Genetics (formerly Invitae), Labcorp
Classification: Uncertain significance for Cerebral cavernous malformation 2. Last evaluated: 2024-12-16. Review status: criteria provided, single submitter. Criteria: Invitae Variant Classification Sherloc (09022015). Collection method: clinical testing. Allele origin: germline.
Comment: This sequence change affects codon 248 of the CCM2 mRNA. It is a 'silent' change, meaning that it does not change the encoded amino acid sequence of the CCM2 protein. It affects a nucleotide within the consensus splice site. This variant is present in population databases (no rsID available, gnomAD 0.004%). This variant has not been reported in the literature in individuals affected with CCM2-related conditions. ClinVar contains an entry for this variant (Variation ID: 1425637). Algorithms developed to predict the effect of sequence changes on RNA splicing suggest that this variant is not likely to affect RNA splicing. In summary, the available evidence is currently insufficient to determine the role of this variant in disease. Therefore, it has been classified as a Variant of Uncertain Significance.

Ambry Genetics
Classification: Likely benign for Inborn genetic diseases. Last evaluated: 2023-04-05. Review status: criteria provided, single submitter. Criteria: Ambry Variant Classification Scheme 2023. Collection method: clinical testing. Allele origin: germline.

NM_031443.4(CCM2):c.744C>T (p.Ser248=)

Gene: CCM2 (CCM2 scaffold protein; plus strand). Cytogenetic location: 7p13.
Variant type: single nucleotide variant.
Coding change: c.744C>T on transcript NM_031443.4 (MANE Select); coding-DNA position 744, C replaced by T.
Protein change: p.Ser248=; no amino-acid change (serine 248 retained).
Molecular consequence: synonymous variant. On other transcripts: non-coding transcript variant (1), intron variant (1).
Genome position (GRCh38, 1-based): chr7:45,069,960, C>T. VCF-style: chr7-45069960-C-T. GRCh37 (hg19) VCF-style: chr7-45109559-C-T.
Other names: c.807C>T, p.Ser269= (NM_001029835.2); c.570C>T, p.Ser190= (NM_001167934.2, NM_001363459.2); c.744C>T, p.Ser248= (NM_001363458.2); c.473-2766C>T (NM_001167935.2); c.744C>T (NM_031443.3).
Identifiers: ClinVar variation 1425637 (VCV001425637.7), dbSNP rs1240228560, ClinGen allele CA454890359.
Genomic context (GRCh38, chr7:45,069,960, plus strand): 5'-TCTGGACAGAGCGATATTTGATGGGGCCTCTACCCCGACCCACCACCTGTCCCTGCACAG[C>T]GGTATGTTGAGTGAGAGTGGGCAGCGGGTGGGAGCAGGGACAGGAGGGGCTACTGCAGTG-3'
Protein context (NP_113631.1, residues 238-258): STPTHHLSLH[Ser248=]DDSSTKVDIK